The following is an entry in ClinVar:

NM_000535.7(PMS2):c.706-5T>C

Gene: PMS2 (PMS1 homolog 2, mismatch repair system component; minus strand). Cytogenetic location: 7p22.1.
Variant type: single nucleotide variant.
Coding change: c.706-5T>C on transcript NM_000535.7 (MANE Select); 5 bases into the intron before coding-DNA position 706, T replaced by C.
Molecular consequence: intron variant.
Genome position (GRCh38, 1-based): chr7:5,997,428, A>G on the plus strand (T>C on the coding strand, the complement: PMS2 is on the minus strand). VCF-style: chr7-5997428-A-G. GRCh37 (hg19) VCF-style: chr7-6037059-A-G.
Other names: c.388-5T>C (NM_001322008.2, NM_001322007.2); c.301-5T>C (NM_001322010.2, NM_001322004.2, NM_001322003.2 and 2 more transcripts); c.133-5T>C (NM_001322013.2); c.-228-5T>C (NM_001322012.2, NM_001322011.2); c.397-5T>C (NM_001322015.2); c.706-5T>C (NM_001322006.2, NM_001322014.2).
Identifiers: ClinVar variation 525946 (VCV000525946.17), dbSNP rs1203452929, ClinGen allele CA572548202.

ClinVar aggregate classification (germline): Conflicting classifications of pathogenicity. Review status: criteria provided, conflicting classifications (1 of 4 stars). 3 submissions from 3 submitters: Uncertain significance (1); Likely benign (2). Last evaluated 2026-02-13.

Conditions:
Hereditary nonpolyposis colorectal neoplasms. Identifiers: MedGen C0009405, MeSH D003123.
Hereditary cancer-predisposing syndrome. Also called: Tumor predisposition; Hereditary Cancer Syndrome; Neoplastic Syndromes, Hereditary; Hereditary neoplastic syndrome. Identifiers: Orphanet 140162, MedGen C0027672, MeSH D009386, MONDO:0015356.

Submissions (3):

Ambry Genetics
Classification: Uncertain significance for Hereditary cancer-predisposing syndrome. Last evaluated: 2026-02-13. Review status: criteria provided, single submitter. Criteria: Ambry Variant Classification Scheme 2023. Collection method: clinical testing. Allele origin: germline.
Comment: The c.706-5T>C intronic variant results from a T to C substitution 5 nucleotides upstream from coding exon 7 in the PMS2 gene. This nucleotide position is conserved on limited sequence alignment. In silico splice site analysis for this alteration is inconclusive. Since supporting evidence is limited at this time, the clinical significance of this alteration remains unclear.

Labcorp Genetics (formerly Invitae), Labcorp
Classification: Likely benign for Hereditary nonpolyposis colorectal neoplasms. Last evaluated: 2026-01-31. Review status: criteria provided, single submitter. Criteria: Invitae Variant Classification Sherloc (09022015). Collection method: clinical testing. Allele origin: germline.

Color Diagnostics, LLC DBA Color Health
Classification: Likely benign for Hereditary cancer-predisposing syndrome. Last evaluated: 2020-01-28. Review status: criteria provided, single submitter. Criteria: ACMG Guidelines, 2015. Collection method: clinical testing. Allele origin: germline.